The following is an entry in ClinVar:

ClinVar aggregate classification (germline): Likely benign (1 of 4 stars; one submission).

gnomAD v4.1: 2,636 of 1,183,076 alleles (0.22%); highest among the groups gnomAD compares: Admixed American, 0.4%; 10 homozygotes.

Submission:

CeGaT Center for Human Genetics Tuebingen
Classification: Likely benign. Last evaluated: 2026-03-01. Review status: criteria provided, single submitter. Criteria: CeGaT Center For Human Genetics Tuebingen Variant Classification Criteria Version 2. Collection method: clinical testing. Allele origin: germline. Affected: yes. Observed: 2 variant alleles.
Comment: ABL1: BS1

NM_005157.6(ABL1):c.1514-130C>T

Gene: ABL1 (ABL proto-oncogene 1, non-receptor tyrosine kinase; plus strand). Cytogenetic location: 9q34.12.
Variant type: single nucleotide variant.
Coding change: c.1514-130C>T on transcript NM_005157.6 (MANE Select); 130 bases into the intron before coding-DNA position 1514, C replaced by T.
Molecular consequence: intron variant.
Genome position (GRCh38, 1-based): chr9:130,880,370, C>T. VCF-style: chr9-130880370-C-T. GRCh37 (hg19) VCF-style: chr9-133755757-C-T.
Other names: c.1571-130C>T (NM_007313.3).
Identifiers: ClinVar variation 4820738 (VCV004820738.4).
Genomic context (GRCh38, chr9:130,880,370, plus strand): 5'-TTCTTGTCTGCTGCAGCCCTGCAGAGTTCTAAGAAATGCTAAGGGCTGTTTCTCCGGTAT[C>T]CACGTGCCTTTTCTTTAGTTGTATGCAGATGAGCACTGTTACCTTACAAAGAAAGAGAAC-3'